The following is an entry in ClinVar:

NM_001083962.2(TCF4):c.1995G>A (p.Ser665=)

Gene: TCF4 (transcription factor 4; minus strand). Cytogenetic location: 18q21.2.
Variant type: single nucleotide variant.
Coding change: c.1995G>A on transcript NM_001083962.2 (MANE Select); coding-DNA position 1995, G replaced by A.
Protein change: p.Ser665=; no amino-acid change (serine 665 retained).
Molecular consequence: synonymous variant.
Genome position (GRCh38, 1-based): chr18:55,228,246, C>T on the plus strand (G>A on the coding strand, the complement: TCF4 is on the minus strand). VCF-style: chr18-55228246-C-T. GRCh37 (hg19) VCF-style: chr18-52895477-C-T.
Other names: p.S665S:TCG>TCA; c.2301G>A, p.Ser767= (NM_001243226.3); c.1923G>A, p.Ser641= (NM_001243227.2, NM_001348217.1, NM_001348218.2 and 1 more transcripts); c.2013G>A, p.Ser671= (NM_001243228.2); c.1974G>A, p.Ser658= (NM_001243230.2); c.1857G>A, p.Ser619= (NM_001243231.2); c.1782G>A, p.Ser594= (NM_001243232.1); c.1593G>A, p.Ser531= (NM_001243233.2, NM_001348212.2); and 15 more.
Identifiers: ClinVar variation 139412 (VCV000139412.11), dbSNP rs587781188, ClinGen allele CA293892.

ClinVar aggregate classification (germline): Benign/Likely benign. Review status: criteria provided, multiple submitters, no conflicts (2 of 4 stars). 3 submissions from 3 submitters: Benign (1); Likely benign (2). Last evaluated 2025-10-15.

Conditions:
Pitt-Hopkins syndrome (PTHS). Also called: MENTAL RETARDATION, SYNDROMAL, WITH INTERMITTENT HYPERVENTILATION; ENCEPHALOPATHY, SEVERE EPILEPTIC, WITH AUTONOMIC DYSFUNCTION. Identifiers: Orphanet 2896, MedGen C1970431, MONDO:0012589, OMIM 610954.

Allele frequency attached by ClinVar (database versions not stated): TOPMed 0.00004; gnomAD exomes 0.00003; ExAC 0.00004.
gnomAD v4.1: 53 of 1,614,006 alleles (0.0033%); highest among the groups gnomAD compares: South Asian, 0.023%; no homozygotes.

Submissions (3):

Labcorp Genetics (formerly Invitae), Labcorp
Classification: Likely benign for Pitt-Hopkins syndrome. Last evaluated: 2025-10-15. Review status: criteria provided, single submitter. Criteria: Invitae Variant Classification Sherloc (09022015). Collection method: clinical testing. Allele origin: germline.

Blueprint Genetics
Classification: Likely benign. Last evaluated: 2019-09-26. Review status: criteria provided, single submitter. Criteria: ACMG Guidelines, 2015. Collection method: clinical testing. Allele origin: germline.

GeneDx
Classification: Benign. Last evaluated: 2014-03-03. Review status: criteria provided, single submitter. Criteria: GeneDx Variant Classification (06012015). Collection method: clinical testing. Allele origin: germline. Affected: yes.
Comment: This variant is considered likely benign or benign based on one or more of the following criteria: it is a conservative change, it occurs at a poorly conserved position in the protein, it is predicted to be benign by multiple in silico algorithms, and/or has population frequency not consistent with disease.